The following is an entry in ClinVar:

NM_001267550.2(TTN):c.57847+1G>A

Genes: TTN-AS1 (TTN antisense RNA 1; plus strand), TTN (titin; minus strand). Cytogenetic location: 2q31.2.
Variant type: single nucleotide variant.
Coding change: c.57847+1G>A on transcript NM_001267550.2 (MANE Select); the canonical splice donor site of the intron after coding-DNA position 57847, G replaced by A.
Molecular consequence: splice donor variant.
Genome position (GRCh38, 1-based): chr2:178,595,506, C>T on the plus strand (G>A on the coding strand, the complement: TTN is on the minus strand). VCF-style: chr2-178595506-C-T. GRCh37 (hg19) VCF-style: chr2-179460233-C-T.
Other names: c.30652+1G>A (NM_003319.4); c.31228+1G>A (NM_133437.4); c.31027+1G>A (NM_133432.3); c.50143+1G>A (NM_133378.4); c.52924+1G>A (NM_001256850.1).
Identifiers: ClinVar variation 47129 (VCV000047129.12), dbSNP rs397517631, ClinGen allele CA261888.

ClinVar aggregate classification (germline): Conflicting classifications of pathogenicity. Review status: criteria provided, conflicting classifications (1 of 4 stars). 4 submissions from 4 submitters: Likely pathogenic (1); Uncertain significance (3). Last evaluated 2025-06-04.

Conditions:
Cardiovascular phenotype. Identifiers: MedGen CN230736.
Dilated cardiomyopathy 1G (CMD1G). Identifiers: Orphanet 154, MedGen C1858763, MONDO:0011400, OMIM 604145.
Autosomal recessive limb-girdle muscular dystrophy type 2J (LGMDR10). Also called: Limb-girdle muscular dystrophy, type 2J; MUSCULAR DYSTROPHY, LIMB-GIRDLE, AUTOSOMAL RECESSIVE 10. Identifiers: Orphanet 140922, MedGen C1837342, MONDO:0012127, OMIM 608807.
Cardiomyopathy (CMYO). Also called: Cardiomyopathies. Identifiers: Orphanet 167848, MedGen C0878544, MONDO:0004994, HP:0001638. Inheritance: Various modes of inheritance.

Submissions (4):

Labcorp Genetics (formerly Invitae), Labcorp
Classification: Likely pathogenic for Dilated cardiomyopathy 1G; Autosomal recessive limb-girdle muscular dystrophy type 2J. Last evaluated: 2025-06-04. Review status: criteria provided, single submitter. Criteria: Invitae Variant Classification Sherloc (09022015). Collection method: clinical testing. Allele origin: germline.
Comment: This sequence change affects a donor splice site in intron 295 of the TTN gene. It is expected to disrupt RNA splicing and likely results in a truncated or disrupted TTN protein. The frequency data for this variant in the population databases is considered unreliable, as metrics indicate poor data quality at this position in the gnomAD database. Disruption of this splice site has been observed in individual(s) with TTN-related conditions (PMID: 24503780, 37652022). ClinVar contains an entry for this variant (Variation ID: 47129). Algorithms developed to predict the effect of sequence changes on RNA splicing suggest that this variant may disrupt the consensus splice site. This variant is located in the A band of TTN (PMID: 25589632). Truncating variants in this region are significantly overrepresented in patients affected with dilated cardiomyopathy (PMID: 25589632). Truncating variants in this region have also been reported in individuals affected with autosomal recessive centronuclear myopathy (PMID: 23975875). In summary, the currently available evidence indicates that the variant is pathogenic, but additional data are needed to prove that conclusively. Therefore, this variant has been classified as Likely Pathogenic.

Ambry Genetics
Classification: Uncertain significance for Cardiovascular phenotype. Last evaluated: 2022-11-21. Review status: criteria provided, single submitter. Criteria: Ambry Variant Classification Scheme 2023. Collection method: clinical testing. Allele origin: germline.
Comment: The c.30652+1G>A intronic variant results from a G to A substitution one nucleotide after coding exon 122 of the TTN gene. Coding exon 122 is located in the A-band region of the N2-B isoform of the titin protein and is constitutively expressed in TTN transcripts (percent spliced in or PSI 100%). This variant (referred to as c.50143+1G>A) has been detected in an individual with dilated cardiomyopathy (DCM) who also had variants in other cardiac-related genes (Pugh TJ et al. Genet. Med., 2014 Aug;16:601-8). This nucleotide position is highly conserved in available vertebrate species. In silico splice site analysis predicts that this alteration will weaken the native splice donor site and may result in the creation or strengthening of a novel splice donor site. This alteration disrupts the canonical splice site and is expected to cause aberrant splicing. However, although direct evidence is unavailable, this alteration is predicted to result in an in-frame transcript that is not expected to trigger nonsense-mediated mRNA decay. The exact functional effect of the predicted splice impact is unknown. Since supporting evidence is limited at this time, the clinical significance of this alteration remains unclear.

CHEO Genetics Diagnostic Laboratory, Children's Hospital of Eastern Ontario
Classification: Uncertain significance for Cardiomyopathy. Last evaluated: 2019-08-08. Review status: criteria provided, single submitter. Criteria: ACMG Guidelines, 2015. Collection method: clinical testing. Allele origin: germline.

Laboratory for Molecular Medicine, Mass General Brigham Personalized Medicine
Classification: Uncertain significance. Last evaluated: 2019-05-10. Review status: criteria provided, single submitter. Criteria: LMM Criteria. Collection method: clinical testing. Allele origin: germline. Observed: 1 variant allele.
Comment: It has also been identified in 0.05% (34/72786) of European chromosomes by gnomAD; however, the sequencing quality of this region was low. This variant occurs in the invariant region (+/- 1, 2) of the splice consensus sequence and is predicted to cause altered splicing leading to an abnormal or absent protein. Splice site variants and other truncating variants in TTN are associated with DCM if they impact the exons encoding for the A-band (Herman 2012, Pugh 2014), where this variant is located, and/or are located in an exon that is highly expressed in the heart (Roberts 2015). In summary, the clinical significance of the c.50143+1G>A variant is uncertain. ACMG/AMP Criteria applied: PVS1_Moderate.

Literature cited by the submitters: PubMed 24503780 (cited by Labcorp Genetics (formerly Invitae), Labcorp and Ambry Genetics); PubMed 37652022 (cited by Labcorp Genetics (formerly Invitae), Labcorp); PubMed 25589632 (cited by Labcorp Genetics (formerly Invitae), Labcorp); PubMed 23975875 (cited by Labcorp Genetics (formerly Invitae), Labcorp); PubMed 27532257 (cited by Ambry Genetics); PubMed 30609406 (cited by Ambry Genetics).